The following is an entry in ClinVar:

ClinVar aggregate classification (germline): Uncertain significance (1 of 4 stars; one submission).

gnomAD v4.1: 1 of 1,614,040 alleles (0.000062%); highest among the groups gnomAD compares: African/African-American, 0.0013%; no homozygotes.

Submission:

GeneDx
Classification: Uncertain significance. Last evaluated: 2024-03-04. Review status: criteria provided, single submitter. Criteria: GeneDx Variant Classification Process June 2021. Collection method: clinical testing. Allele origin: germline. Affected: yes.
Comment: Has not been previously published as pathogenic or benign to our knowledge; Not observed at significant frequency in large population cohorts (gnomAD); In silico analysis supports that this missense variant has a deleterious effect on protein structure/function

NM_001393769.1(MED12L):c.5140G>A (p.Gly1714Ser)

Gene: MED12L (mediator complex subunit 12L; plus strand). Cytogenetic location: 3q25.1.
Variant type: single nucleotide variant.
Coding change: c.5140G>A on transcript NM_001393769.1 (MANE Select); coding-DNA position 5140, G replaced by A.
Protein change: p.Gly1714Ser; replaces glycine 1714 with serine.
Molecular consequence: missense variant.
Genome position (GRCh38, 1-based): chr3:151,387,861, G>A. VCF-style: chr3-151387861-G-A. GRCh37 (hg19) VCF-style: chr3-151105649-G-A.
Other names: c.5035G>A, p.Gly1679Ser (NM_053002.6); short protein forms G1679S, G1714S.
Identifiers: ClinVar variation 3373603 (VCV003373603.1).